The following is an entry in ClinVar:

NM_182914.3(SYNE2):c.2904T>C (p.Arg968=)

Gene: SYNE2 (spectrin repeat containing nuclear envelope protein 2; plus strand). Cytogenetic location: 14q23.2.
Variant type: single nucleotide variant.
Coding change: c.2904T>C on transcript NM_182914.3 (MANE Select); coding-DNA position 2904, T replaced by C.
Protein change: p.Arg968=; no amino-acid change (arginine 968 retained).
Molecular consequence: synonymous variant.
Genome position (GRCh38, 1-based): chr14:63,995,166, T>C. VCF-style: chr14-63995166-T-C. GRCh37 (hg19) VCF-style: chr14-64461884-T-C.
Other names: c.2904T>C, p.Arg968= (NM_015180.6).
Identifiers: ClinVar variation 2644281 (VCV002644281.24), dbSNP rs747104170, ClinGen allele CA7219821.

ClinVar aggregate classification (germline): Likely benign (1 of 4 stars; one submission).

Allele frequency attached by ClinVar (database versions not stated): TOPMed below 0.00001; gnomAD exomes 0.00001; ExAC 0.00002.
gnomAD v4.1: 14 of 1,607,558 alleles (0.00087%); highest among the groups gnomAD compares: South Asian, 0.014%; no homozygotes.

Submission:

CeGaT Center for Human Genetics Tuebingen
Classification: Likely benign. Last evaluated: 2022-10-01. Review status: criteria provided, single submitter. Criteria: CeGaT Center For Human Genetics Tuebingen Variant Classification Criteria Version 2. Collection method: clinical testing. Allele origin: germline. Affected: yes. Observed: 1 variant allele.
Comment: SYNE2: BP4, BP7